The following is an entry in ClinVar:

ClinVar aggregate classification (germline): Likely pathogenic (1 of 4 stars; one submission).

Allele frequency attached by ClinVar (database versions not stated): gnomAD 0.00001; gnomAD exomes 0.00001; TOPMed 0.00002.
gnomAD v4.1: 13 of 1,604,206 alleles (0.00081%); highest among the groups gnomAD compares: South Asian, 0.0022%; no homozygotes.

Submission:

CeGaT Center for Human Genetics Tuebingen
Classification: Likely pathogenic. Last evaluated: 2023-03-01. Review status: criteria provided, single submitter. Criteria: CeGaT Center For Human Genetics Tuebingen Variant Classification Criteria Version 2. Collection method: clinical testing. Allele origin: germline. Affected: yes. Observed: 1 variant allele.
Comment: VPS13C: PVS1:Strong, PM2

NM_020821.3(VPS13C):c.751C>T (p.Arg251Ter)

Gene: VPS13C (vacuolar protein sorting 13 homolog C; minus strand). Cytogenetic location: 15q22.2.
Variant type: single nucleotide variant.
Coding change: c.751C>T on transcript NM_020821.3 (MANE Select); coding-DNA position 751, C replaced by T.
Protein change: p.Arg251Ter; replaces arginine 251 with a stop codon.
Molecular consequence: nonsense.
Genome position (GRCh38, 1-based): chr15:62,013,113, G>A on the plus strand (C>T on the coding strand, the complement: VPS13C is on the minus strand). VCF-style: chr15-62013113-G-A. GRCh37 (hg19) VCF-style: chr15-62305312-G-A.
Other names: c.751C>T, p.Arg251Ter (NM_001018088.3); c.622C>T, p.Arg208Ter (NM_017684.5, NM_018080.4); short protein forms R208*, R251*.
Identifiers: ClinVar variation 2498617 (VCV002498617.28), dbSNP rs899706506, ClinGen allele CA271924177.
Genomic context (GRCh38, chr15:62,013,113, plus strand): 5'-TTGATCTCTGGTAAGACATGCTGCAATTTACATTCCAGTAGGCGCTAAGACTATCAAGTC[G>A]TATAAGCTATAAGAGAAAAATGAAAGAGATCAGGCAATCAACACACTGAAATTATGAATC-3'